The following is an entry in ClinVar:

ClinVar aggregate classification (germline): Uncertain significance (1 of 4 stars; one submission).

Allele frequency attached by ClinVar (database versions not stated): TOPMed 0.00003; gnomAD exomes 0.00004; ExAC 0.00005; gnomAD 0.00007; ESP Exome Variant Server 0.00015.
gnomAD v4.1: 67 of 1,612,654 alleles (0.0042%); highest among the groups gnomAD compares: Middle Eastern, 0.016%; no homozygotes.

Submission:

Labcorp Genetics (formerly Invitae), Labcorp
Classification: Uncertain significance. Last evaluated: 2020-08-12. Review status: criteria provided, single submitter. Criteria: Invitae Variant Classification Sherloc (09022015). Collection method: clinical testing. Allele origin: germline.
Comment: This sequence change replaces proline with leucine at codon 162 of the LAMA3 protein (p.Pro162Leu). The proline residue is moderately conserved and there is a moderate physicochemical difference between proline and leucine. This variant is present in population databases (rs148353274, ExAC 0.01%). This variant has not been reported in the literature in individuals with LAMA3-related disease. Algorithms developed to predict the effect of missense changes on protein structure and function are either unavailable or do not agree on the potential impact of this missense change (SIFT: "Tolerated"; PolyPhen-2: "Probably Damaging"; Align-GVGD: "Class C0"). In summary, the available evidence is currently insufficient to determine the role of this variant in disease. Therefore, it has been classified as a Variant of Uncertain Significance.

NM_198129.4(LAMA3):c.5312C>T (p.Pro1771Leu)

Gene: LAMA3 (laminin subunit alpha 3; plus strand). Cytogenetic location: 18q11.2.
Variant type: single nucleotide variant.
Coding change: c.5312C>T on transcript NM_198129.4 (MANE Select); coding-DNA position 5312, C replaced by T.
Protein change: p.Pro1771Leu; replaces proline 1771 with leucine.
Molecular consequence: missense variant.
Genome position (GRCh38, 1-based): chr18:23,890,019, C>T. VCF-style: chr18-23890019-C-T. GRCh37 (hg19) VCF-style: chr18-21469983-C-T.
Other names: c.485C>T, p.Pro162Leu (NM_000227.6, NM_001127718.4); c.5312C>T, p.Pro1771Leu (NM_001127717.4); short protein forms P162L, P1771L.
Identifiers: ClinVar variation 2053865 (VCV002053865.1), dbSNP rs148353274, ClinGen allele CA8915999.